The following is an entry in ClinVar:

ClinVar aggregate classification (germline): Pathogenic (1 of 4 stars; one submission).

Conditions:
Bohring-Opitz syndrome. Also called: C-LIKE SYNDROME; BOHRING SYNDROME; OPITZ TRIGONOCEPHALY-LIKE SYNDROME; ASXL1-Related Bohring-Opitz Syndrome. Identifiers: Orphanet 97297, MedGen C0796232, MONDO:0011510, OMIM 605039.

Submission:

Women's Health and Genetics/Laboratory Corporation of America, LabCorp
Classification: Pathogenic for Bohring-Opitz syndrome. Last evaluated: 2024-05-13. Review status: criteria provided, single submitter. Criteria: LabCorp Variant Classification Summary - May 2015. Collection method: clinical testing. Allele origin: germline.
Comment: Variant summary: ASXL1 c.2982delT (p.His995ThrfsX29) results in a premature termination codon, predicted to cause a truncation of the encoded protein encompassing a region that includes at least one downstream pathogenic variant. The variant was absent in 251452 control chromosomes (gnomAD). To our knowledge, no occurrence of c.2982delT in individuals affected with Bohring-Opitz Syndrome and no experimental evidence demonstrating its impact on protein function have been reported. No submitters have cited clinical-significance assessments for this variant to ClinVar. Based on the evidence outlined above, the variant was classified as pathogenic.

NM_015338.6(ASXL1):c.2982del (p.His995fs)

Gene: ASXL1 (ASXL transcriptional regulator 1; plus strand). Cytogenetic location: 20q11.21.
Variant type: Deletion.
Coding change: c.2982del on transcript NM_015338.6 (MANE Select); coding-DNA position 2982, one base deleted (T; older notation c.2982delT).
Protein change: p.His995fs; shifts the reading frame from histidine 995.
Molecular consequence: frameshift variant.
Genome position (GRCh38, 1-based): chr20:32,435,694, T deleted. VCF-style (leftmost placement, unchanged base first): chr20-32435693-CT-C. GRCh37 (hg19) VCF-style: chr20-31023496-CT-C.
Other names: c.2799del, p.His934fs (NM_001363734.1); c.2982delT (NM_015338.6); short protein forms H934fs, H995fs.
Identifiers: ClinVar variation 3335981 (VCV003335981.1).